The following is an entry in ClinVar:

NM_014141.6(CNTNAP2):c.2247C>T (p.Tyr749=)

Gene: CNTNAP2 (contactin associated protein 2; plus strand). Cytogenetic location: 7q35.
Variant type: single nucleotide variant.
Coding change: c.2247C>T on transcript NM_014141.6 (MANE Select); coding-DNA position 2247, C replaced by T.
Protein change: p.Tyr749=; no amino-acid change (tyrosine 749 retained).
Molecular consequence: synonymous variant.
Genome position (GRCh38, 1-based): chr7:147,903,713, C>T. VCF-style: chr7-147903713-C-T. GRCh37 (hg19) VCF-style: chr7-147600805-C-T.
Identifiers: ClinVar variation 3067567 (VCV003067567.21), dbSNP rs370252902, ClinGen allele CA168786570.

ClinVar aggregate classification (germline): Likely benign (1 of 4 stars; one submission).

Allele frequency attached by ClinVar (database versions not stated): gnomAD exomes below 0.00001; TOPMed below 0.00001; ESP Exome Variant Server 0.00008.
gnomAD v4.1: 2 of 1,613,658 alleles (0.00012%); highest among the groups gnomAD compares: Non-Finnish European, 0.00017%; no homozygotes.

Submission:

CeGaT Center for Human Genetics Tuebingen
Classification: Likely benign. Last evaluated: 2024-03-01. Review status: criteria provided, single submitter. Criteria: CeGaT Center For Human Genetics Tuebingen Variant Classification Criteria Version 2. Collection method: clinical testing. Allele origin: germline. Affected: yes. Observed: 1 variant allele.
Comment: CNTNAP2: PM2:Supporting, BP4, BP7